The following is an entry in ClinVar:

ClinVar aggregate classification (germline): Uncertain significance. Review status: criteria provided, multiple submitters, no conflicts (2 of 4 stars). 2 submissions from 2 submitters: Uncertain significance (2). Last evaluated 2026-01-26.

Conditions:
Hypertrophic cardiomyopathy 13. Also called: TNNC1-Related Familial Hypertrophic Cardiomyopathy. Identifiers: MedGen C2750472, MONDO:0013195, OMIM 613243.
Dilated cardiomyopathy 1Z (CMD1Z). Identifiers: Orphanet 154, MedGen C2678475, MONDO:0012745, OMIM 611879.
Cardiovascular phenotype. Identifiers: MedGen CN230736.

Allele frequency attached by ClinVar (database versions not stated): ExAC 0.00002; gnomAD 0.00002 and 0.00001; gnomAD exomes 0.00001.
gnomAD v4.1: 24 of 1,614,012 alleles (0.0015%); highest among the groups gnomAD compares: South Asian, 0.0033%; no homozygotes.

Submissions (2):

Ambry Genetics
Classification: Uncertain significance for Cardiovascular phenotype. Last evaluated: 2026-01-26. Review status: criteria provided, single submitter. Criteria: Ambry Variant Classification Scheme 2023. Collection method: clinical testing. Allele origin: germline.
Comment: The c.436G>A (p.G146S) alteration is located in exon 5 (coding exon 5) of the TNNC1 gene. This alteration results from a G to A substitution at nucleotide position 436, causing the glycine (G) at amino acid position 146 to be replaced by a serine (S). Based on data from gnomAD, the A allele has an overall frequency of 0.001% (4/282226) total alleles studied. The highest observed frequency was 0.005% (1/19948) of East Asian alleles. Based on insufficient or conflicting evidence, the clinical significance of this alteration remains unclear.

Labcorp Genetics (formerly Invitae), Labcorp
Classification: Uncertain significance for Hypertrophic cardiomyopathy 13; Dilated cardiomyopathy 1Z. Last evaluated: 2025-09-23. Review status: criteria provided, single submitter. Criteria: Invitae Variant Classification Sherloc (09022015). Collection method: clinical testing. Allele origin: germline.
Comment: This sequence change replaces glycine, which is neutral and non-polar, with serine, which is neutral and polar, at codon 146 of the TNNC1 protein (p.Gly146Ser). This variant is present in population databases (rs567327895, gnomAD 0.005%). This missense change has been observed in individual(s) with long QT syndrome or dilated cardiomyopathy (PMID: 25163546, 30847666). ClinVar contains an entry for this variant (Variation ID: 1509428). An algorithm developed to predict the effect of missense changes on protein structure and function (PolyPhen-2) suggests that this variant is likely to be disruptive. In summary, the available evidence is currently insufficient to determine the role of this variant in disease. Therefore, it has been classified as a Variant of Uncertain Significance.

Literature cited by the submitters: PubMed 25163546 (cited by Labcorp Genetics (formerly Invitae), Labcorp); PubMed 30847666 (cited by Labcorp Genetics (formerly Invitae), Labcorp).

NM_003280.3(TNNC1):c.436G>A (p.Gly146Ser)

Gene: TNNC1 (troponin C1, slow skeletal and cardiac type; minus strand). Cytogenetic location: 3p21.1.
Variant type: single nucleotide variant.
Coding change: c.436G>A on transcript NM_003280.3 (MANE Select); coding-DNA position 436, G replaced by A.
Protein change: p.Gly146Ser; replaces glycine 146 with serine.
Molecular consequence: missense variant.
Genome position (GRCh38, 1-based): chr3:52,451,409, C>T on the plus strand (G>A on the coding strand, the complement: TNNC1 is on the minus strand). VCF-style: chr3-52451409-C-T. GRCh37 (hg19) VCF-style: chr3-52485425-C-T.
Other names: short protein forms G146S.
Identifiers: ClinVar variation 1509428 (VCV001509428.11), dbSNP rs567327895, ClinGen allele CA2438491.